The following is an entry in ClinVar:

ClinVar aggregate classification (germline): Pathogenic (1 of 4 stars; one submission).

Conditions:
Lethal multiple pterygium syndrome (LMPS). Identifiers: Orphanet 33108, MedGen C1854678, MONDO:0009668, OMIM 253290.

Submission:

Labcorp Genetics (formerly Invitae), Labcorp
Classification: Pathogenic for Lethal multiple pterygium syndrome. Last evaluated: 2023-10-13. Review status: criteria provided, single submitter. Criteria: Invitae Variant Classification Sherloc (09022015). Collection method: clinical testing. Allele origin: germline.
Comment: This sequence change creates a premature translational stop signal (p.Ile98Asnfs*17) in the CHRNA1 gene. It is expected to result in an absent or disrupted protein product. Loss-of-function variants in CHRNA1 are known to be pathogenic (PMID: 14719537, 15907919, 18252226). This variant is present in population databases (rs753250273, gnomAD 0.006%). This variant has not been reported in the literature in individuals affected with CHRNA1-related conditions. ClinVar contains an entry for this variant (Variation ID: 1071880). For these reasons, this variant has been classified as Pathogenic.

Literature cited by the submitters: PubMed 14719537; PubMed 15907919; PubMed 18252226.

NM_000079.4(CHRNA1):c.292dup (p.Ile98fs)

Gene: CHRNA1 (cholinergic receptor nicotinic alpha 1 subunit; minus strand). Cytogenetic location: 2q31.1.
Variant type: Duplication.
Coding change: c.292dup on transcript NM_000079.4 (MANE Select); coding-DNA position 292, one base duplicated (A; older notation c.292dupA).
Protein change: p.Ile98fs; shifts the reading frame from isoleucine 98.
Molecular consequence: frameshift variant.
Genome position (GRCh38, 1-based): chr2:174,757,618, T duplicated on the plus strand (A on the coding strand, the reverse complement: CHRNA1 is on the minus strand); the first of 7 consecutive T bases (chr2:174,757,618-174,757,624); duplicating any one gives the same sequence. VCF-style (leftmost placement, unchanged base first): chr2-174757617-A-AT. GRCh37 (hg19) VCF-style: chr2-175622345-A-AT.
Other names: c.367dup, p.Ile123fs (NM_001039523.3); short protein forms I123fs, I98fs.
Identifiers: ClinVar variation 1071880 (VCV001071880.7), dbSNP rs753250273, ClinGen allele CA1974598.